The following is an entry in ClinVar:

ClinVar aggregate classification (germline): Likely pathogenic (1 of 4 stars; one submission).

Conditions:
Primary ciliary dyskinesia. Also called: Ciliary dyskinesia. Identifiers: Orphanet 244, MedGen C0008780, MONDO:0016575, HP:0012265.

Submission:

Natera, Inc.
Classification: Likely pathogenic for Primary ciliary dyskinesia. Last evaluated: 2024-11-21. Review status: criteria provided, single submitter. Criteria: Natera Variant Classification Schema (03/2026). Collection method: clinical testing. Allele origin: germline.
Comment: The c.5927dup variant in DNAH5 is a frameshift variant predicted to shift the reading frame beginning at codon 1977 and leads to a stop codon 15 codons downstream. This variant is expected to result in nonsense mediated decay, truncation, or a dysfunctional protein product. This variant is rare in the general population with a frequency below the threshold expected for the associated phenotype(s). Given the available evidence, this variant is classified as Likely Pathogenic.

NM_001369.3(DNAH5):c.5927dup (p.Ala1977fs)

Gene: DNAH5 (dynein axonemal heavy chain 5; minus strand). Cytogenetic location: 5p15.2.
Variant type: Duplication.
Coding change: c.5927dup on transcript NM_001369.3 (MANE Select); coding-DNA position 5927, one base duplicated (G; older notation c.5927dupG).
Protein change: p.Ala1977fs; shifts the reading frame from alanine 1977.
Molecular consequence: frameshift variant.
Genome position (GRCh38, 1-based): chr5:13,830,731, C duplicated on the plus strand (G on the coding strand, the reverse complement: DNAH5 is on the minus strand); the first of 6 consecutive C bases (chr5:13,830,731-13,830,736); duplicating any one gives the same sequence. VCF-style (leftmost placement, unchanged base first): chr5-13830730-T-TC. GRCh37 (hg19) VCF-style: chr5-13830839-T-TC.
Other names: short protein forms A1977fs.
Identifiers: ClinVar variation 4814904 (VCV004814904.1).